The following is an entry in ClinVar:

NM_003184.4(TAF2):c.1910T>A (p.Leu637Ter)

Gene: TAF2 (TATA-box binding protein associated factor 2; minus strand). Cytogenetic location: 8q24.12.
Variant type: single nucleotide variant.
Coding change: c.1910T>A on transcript NM_003184.4 (MANE Select); coding-DNA position 1910, T replaced by A.
Protein change: p.Leu637Ter; replaces leucine 637 with a stop codon.
Molecular consequence: nonsense.
Genome position (GRCh38, 1-based): chr8:119,783,583, A>T on the plus strand (T>A on the coding strand, the complement: TAF2 is on the minus strand). VCF-style: chr8-119783583-A-T. GRCh37 (hg19) VCF-style: chr8-120795823-A-T.
Other names: short protein forms L637*.
Identifiers: ClinVar variation 3371141 (VCV003371141.1).

ClinVar aggregate classification (germline): Uncertain significance (1 of 4 stars; one submission).

gnomAD v4.1: 1 of 1,614,174 alleles (0.000062%); highest among the groups gnomAD compares: Non-Finnish European, 0.000085%; no homozygotes.

Submission:

GeneDx
Classification: Uncertain significance. Last evaluated: 2024-03-23. Review status: criteria provided, single submitter. Criteria: GeneDx Variant Classification Process June 2021. Collection method: clinical testing. Allele origin: germline. Affected: yes.
Comment: Nonsense variant predicted to result in protein truncation or nonsense mediated decay in a gene for which loss-of-function is not a known mechanism of disease; Not observed at significant frequency in large population cohorts (gnomAD); Has not been previously published as pathogenic or benign to our knowledge